The following is an entry in ClinVar:

ClinVar aggregate classification (germline): Benign. Review status: criteria provided, single submitter (1 of 4 stars). 2 submissions from 2 submitters: Benign (1). 1 of the submissions does not count toward it. Last evaluated 2025-12-03.

Conditions:
C8A-related disorder. Also called: C8A-related condition.

Allele frequency attached by ClinVar (database versions not stated): gnomAD 0.00001 and 0.00018; TOPMed 0.00004; gnomAD exomes 0.00044 and 0.00091; ExAC 0.00108; 1000 Genomes Project 30x 0.00234; 1000 Genomes Project 0.00240.
gnomAD v4.1: 676 of 1,613,528 alleles (0.042%); highest among the groups gnomAD compares: South Asian, 0.68%; 7 homozygotes.

Submissions (2):

Labcorp Genetics (formerly Invitae), Labcorp
Classification: Benign. Last evaluated: 2025-12-03. Review status: criteria provided, single submitter. Criteria: Invitae Variant Classification Sherloc (09022015). Collection method: clinical testing. Allele origin: germline.

PreventionGenetics, part of Exact Sciences
Classification: Benign for C8A-related condition. Last evaluated: 2020-02-26. Review status: no assertion criteria provided. Collection method: clinical testing. Allele origin: germline. Not counted in ClinVar's aggregate classification.
Comment: This variant is classified as benign based on ACMG/AMP sequence variant interpretation guidelines (Richards et al. 2015 PMID: 25741868, with internal and published modifications).

NM_000562.3(C8A):c.176G>A (p.Arg59Gln)

Gene: C8A (complement C8 alpha chain; plus strand). Cytogenetic location: 1p32.2.
Variant type: single nucleotide variant.
Coding change: c.176G>A on transcript NM_000562.3 (MANE Select); coding-DNA position 176, G replaced by A.
Protein change: p.Arg59Gln; replaces arginine 59 with glutamine.
Molecular consequence: missense variant.
Genome position (GRCh38, 1-based): chr1:56,874,953, G>A. VCF-style: chr1-56874953-G-A. GRCh37 (hg19) VCF-style: chr1-57340626-G-A.
Other names: c.176G>A (NM_000562.2); short protein forms R59Q.
Identifiers: ClinVar variation 1666981 (VCV001666981.10), dbSNP rs369702409, ClinGen allele CA874955.